The following is an entry in ClinVar:

ClinVar aggregate classification (germline): Benign. Review status: criteria provided, multiple submitters, no conflicts (2 of 4 stars). 9 submissions from 9 submitters: Benign (6). 3 of the submissions do not count toward it. Last evaluated 2026-01-26.

Conditions:
Hereditary cancer-predisposing syndrome. Also called: Tumor predisposition; Hereditary Cancer Syndrome; Neoplastic Syndromes, Hereditary; Hereditary neoplastic syndrome. Identifiers: Orphanet 140162, MedGen C0027672, MeSH D009386, MONDO:0015356.
Ataxia-telangiectasia syndrome (AT). Also called: Cerebello-oculocutaneous telangiectasia; Immunodeficiency with ataxia telangiectasia; Ataxia-telangiectasia, complementation group D; AT, COMPLEMENTATION GROUP C; Ataxia-telangiectasia, complementation group E; LOUIS-BAR SYNDROME. Identifiers: Orphanet 100, MedGen C0004135, MONDO:0008840, OMIM 208900.

Allele frequency attached by ClinVar (database versions not stated): 1000 Genomes Project 30x 0.01468; 1000 Genomes Project 0.01478; TOPMed 0.02817; gnomAD 0.03178.
gnomAD v4.1: 50,954 of 1,348,084 alleles (3.8%); highest among the groups gnomAD compares: Middle Eastern, 6.6%; 1,104 homozygotes.

Submissions (9):

Labcorp Genetics (formerly Invitae), Labcorp
Classification: Benign for Ataxia-telangiectasia syndrome. Last evaluated: 2026-01-26. Review status: criteria provided, single submitter. Criteria: Invitae Variant Classification Sherloc (09022015). Collection method: clinical testing. Allele origin: germline.

ARUP Laboratories, Molecular Genetics and Genomics, ARUP Laboratories
Classification: Benign. Last evaluated: 2025-07-29. Review status: criteria provided, single submitter. Criteria: ARUP Molecular Germline Variant Investigation Process 2024. Collection method: clinical testing. Allele origin: germline.

Sema4
Classification: Benign for Hereditary cancer-predisposing syndrome. Last evaluated: 2020-03-22. Review status: criteria provided, single submitter. Criteria: Sema4 Curation Guidelines. Collection method: curation. Allele origin: germline.

GeneDx
Classification: Benign. Last evaluated: 2019-01-16. Review status: criteria provided, single submitter. Criteria: GeneDx Variant Classification Process June 2021. Collection method: clinical testing. Allele origin: germline. Affected: yes.
Comment: This variant is associated with the following publications: (PMID: 27599564)

Eurofins Ntd Llc (ga)
Classification: Benign. Last evaluated: 2017-04-28. Review status: criteria provided, single submitter. Criteria: EGL Classification Definitions 2015. Collection method: clinical testing. Allele origin: germline. Observed: 2 variant alleles, 2 heterozygotes.

Breakthrough Genomics
Classification: Benign. Review status: criteria provided, single submitter. Criteria: ACMG Guidelines, 2015. Collection method: not provided. Allele origin: germline. Inheritance: Autosomal recessive inheritance. Affected: yes.

Natera, Inc.
Classification: Benign for Ataxia-telangiectasia. Last evaluated: 2020-09-16. Review status: no assertion criteria provided. Collection method: clinical testing. Allele origin: germline. Not counted in ClinVar's aggregate classification.

Clinical Genetics Laboratory, Department of Pathology, Netherlands Cancer Institute
Classification: Benign. Review status: no assertion criteria provided. Collection method: clinical testing. Allele origin: germline. Affected: yes. Study: VKGL Data-share Consensus. Not counted in ClinVar's aggregate classification.

Joint Genome Diagnostic Labs from Nijmegen and Maastricht, Radboudumc and MUMC+
Classification: Benign. Review status: no assertion criteria provided. Collection method: clinical testing. Allele origin: germline. Affected: yes. Study: VKGL Data-share Consensus. Not counted in ClinVar's aggregate classification.

NM_000051.4(ATM):c.1899-55T>G

Gene: ATM (ATM serine/threonine kinase; plus strand). Cytogenetic location: 11q22.3.
Variant type: single nucleotide variant.
Coding change: c.1899-55T>G on transcript NM_000051.4 (MANE Select); 55 bases into the intron before coding-DNA position 1899, T replaced by G.
Molecular consequence: intron variant.
Genome position (GRCh38, 1-based): chr11:108,253,759, T>G. VCF-style: chr11-108253759-T-G. GRCh37 (hg19) VCF-style: chr11-108124486-T-G.
Other names: c.1899-55T>G (NM_001351834.2).
Identifiers: ClinVar variation 453393 (VCV000453393.35), dbSNP rs4987951, ClinGen allele CA228393271.
Genomic context (GRCh38, chr11:108,253,759, plus strand): 5'-TCTTTGAATGATGTAGATACTAGGTTAATGTTTTCCTTTGTAATATATTGCTAATACATA[T>G]AAGGCAAAGCATTAGGTACTTGGTTTATATATTAAAGATCTTACTTTCTTGAAGTGAACA-3'